The following is an entry in ClinVar:

ClinVar aggregate classification (germline): Likely benign (1 of 4 stars; one submission).

Allele frequency attached by ClinVar (database versions not stated): TOPMed below 0.00001.

Submission:

CeGaT Center for Human Genetics Tuebingen
Classification: Likely benign. Last evaluated: 2022-07-01. Review status: criteria provided, single submitter. Criteria: CeGaT Center For Human Genetics Tuebingen Variant Classification Criteria Version 2. Collection method: clinical testing. Allele origin: germline. Affected: yes. Observed: 1 variant allele.
Comment: ANKLE2: PM2:Supporting, BP4, BP7

NM_015114.3(ANKLE2):c.27C>T (p.Ala9=)

Gene: ANKLE2 (ankyrin repeat and LEM domain containing 2; minus strand). Cytogenetic location: 12q24.33.
Variant type: single nucleotide variant.
Coding change: c.27C>T on transcript NM_015114.3 (MANE Select); coding-DNA position 27, C replaced by T.
Protein change: p.Ala9=; no amino-acid change (alanine 9 retained).
Molecular consequence: synonymous variant.
Genome position (GRCh38, 1-based): chr12:132,761,772, G>A on the plus strand (C>T on the coding strand, the complement: ANKLE2 is on the minus strand). VCF-style: chr12-132761772-G-A. GRCh37 (hg19) VCF-style: chr12-133338358-G-A.
Identifiers: ClinVar variation 1701219 (VCV001701219.31), dbSNP rs1301344987, ClinGen allele CA482726037.